The following is an entry in ClinVar:

NM_138386.3(NAF1):c.204G>T (p.Gln68His)

Gene: NAF1 (nuclear assembly factor 1 ribonucleoprotein; minus strand). Cytogenetic location: 4q32.2.
Variant type: single nucleotide variant.
Coding change: c.204G>T on transcript NM_138386.3 (MANE Select); coding-DNA position 204, G replaced by T.
Protein change: p.Gln68His; replaces glutamine 68 with histidine.
Molecular consequence: missense variant.
Genome position (GRCh38, 1-based): chr4:163,166,524, C>A on the plus strand (G>T on the coding strand, the complement: NAF1 is on the minus strand). VCF-style: chr4-163166524-C-A. GRCh37 (hg19) VCF-style: chr4-164087676-C-A.
Other names: c.204G>T, p.Gln68His (NM_001128931.2); short protein forms Q68H.
Identifiers: ClinVar variation 5002606 (VCV005002606.1).

ClinVar aggregate classification (germline): Uncertain significance (1 of 4 stars; one submission).

Conditions:
NAF1-related disorder. Also called: NAF1-related condition.

Submission:

PreventionGenetics, part of Exact Sciences
Classification: Uncertain significance for NAF1-related condition. Last evaluated: 2024-11-29. Review status: criteria provided, single submitter. Criteria: ACMG Guidelines, 2015. Collection method: clinical testing. Allele origin: germline.
Comment: The NAF1 c.204G>T variant is predicted to result in the amino acid substitution p.Gln68His. To our knowledge, this variant has not been reported in the literature or in a large population database (gnomAD), indicating this variant is rare. At this time, the clinical significance of this variant is uncertain due to the absence of conclusive functional and genetic evidence.